The following is an entry in ClinVar:

ClinVar aggregate classification (germline): Uncertain significance. Review status: criteria provided, multiple submitters, no conflicts (2 of 4 stars). 2 submissions from 2 submitters: Uncertain significance (2). Last evaluated 2024-05-27.

Conditions:
Hereditary cancer-predisposing syndrome. Also called: Neoplastic Syndromes, Hereditary; Hereditary neoplastic syndrome; Tumor predisposition; Hereditary Cancer Syndrome. Identifiers: Orphanet 140162, MedGen C0027672, MeSH D009386, MONDO:0015356.
Ataxia-telangiectasia syndrome (AT). Also called: Ataxia telangiectasia (A-T); Cerebello-oculocutaneous telangiectasia; Immunodeficiency with ataxia telangiectasia; LOUIS-BAR SYNDROME; AT, COMPLEMENTATION GROUP C; ATAXIA-TELANGIECTASIA, FRESNO VARIANT. Identifiers: Orphanet 100, MedGen C0004135, MONDO:0008840, OMIM 208900.

gnomAD v4.1: 2 of 1,613,236 alleles (0.00012%); highest among the groups gnomAD compares: African/African-American, 0.0013%; no homozygotes.

Submissions (2):

Labcorp Genetics (formerly Invitae), Labcorp
Classification: Uncertain significance for Ataxia-telangiectasia syndrome. Last evaluated: 2024-05-27. Review status: criteria provided, single submitter. Criteria: Invitae Variant Classification Sherloc (09022015). Collection method: clinical testing. Allele origin: germline.
Comment: This sequence change replaces serine, which is neutral and polar, with leucine, which is neutral and non-polar, at codon 1924 of the ATM protein (p.Ser1924Leu). This variant is not present in population databases (gnomAD no frequency). This variant has not been reported in the literature in individuals affected with ATM-related conditions. ClinVar contains an entry for this variant (Variation ID: 230900). Algorithms developed to predict the effect of missense changes on protein structure and function output the following: SIFT: "Not Available"; PolyPhen-2: "Benign"; Align-GVGD: "Not Available". The leucine amino acid residue is found in multiple mammalian species, which suggests that this missense change does not adversely affect protein function. In summary, the available evidence is currently insufficient to determine the role of this variant in disease. Therefore, it has been classified as a Variant of Uncertain Significance.

Ambry Genetics
Classification: Uncertain significance for Hereditary cancer-predisposing syndrome. Last evaluated: 2023-07-28. Review status: criteria provided, single submitter. Criteria: Ambry Variant Classification Scheme 2023. Collection method: clinical testing. Allele origin: germline.
Comment: The p.S1924L variant (also known as c.5771C>T), located in coding exon 38 of the ATM gene, results from a C to T substitution at nucleotide position 5771. The serine at codon 1924 is replaced by leucine, an amino acid with dissimilar properties. This amino acid position is not well conserved in available vertebrate species. In addition, this alteration is predicted to be tolerated by in silico analysis. Since supporting evidence is limited at this time, the clinical significance of this alteration remains unclear.

NM_000051.4(ATM):c.5771C>T (p.Ser1924Leu)

Genes: ATM (ATM serine/threonine kinase; plus strand), C11orf65 (chromosome 11 open reading frame 65; minus strand). Cytogenetic location: 11q22.3.
Variant type: single nucleotide variant.
Coding change: c.5771C>T on transcript NM_000051.4 (MANE Select); coding-DNA position 5771, C replaced by T.
Protein change: p.Ser1924Leu; replaces serine 1924 with leucine.
Molecular consequence: missense variant. On other transcripts: intron variant (2).
Genome position (GRCh38, 1-based): chr11:108,310,168, C>T. VCF-style: chr11-108310168-C-T. GRCh37 (hg19) VCF-style: chr11-108180895-C-T.
Other names: c.5771C>T, p.Ser1924Leu (NM_001351834.2); c.641-1097G>A (NM_001330368.2); c.*39-1097G>A (NM_001351110.2); short protein forms S1924L.
Identifiers: ClinVar variation 230900 (VCV000230900.12), dbSNP rs876658831, ClinGen allele CA10579196.